The following is an entry in ClinVar:

NM_001127222.2(CACNA1A):c.3393_3401dup (p.Ser1132_Pro1134dup)

Gene: CACNA1A (calcium voltage-gated channel subunit alpha1 A; minus strand). Cytogenetic location: 19p13.13.
Variant type: Duplication.
Coding change: c.3393_3401dup on transcript NM_001127222.2 (MANE Select); coding-DNA positions 3393 to 3401, 9 bases duplicated (ATCCAATCC; older notation c.3393_3401dupATCCAATCC).
Protein change: p.Ser1132_Pro1134dup.
Molecular consequence: inframe insertion.
Genome position (GRCh38, 1-based): chr19:13,286,655-13,286,663, GGATTGGAT duplicated on the plus strand (ATCCAATCC on the coding strand, the reverse complement: CACNA1A is on the minus strand); duplicating any 9 consecutive bases within chr19:13,286,655-13,286,665 gives the same sequence; the c. name uses the placement nearest the transcript's 3' end. VCF-style (leftmost placement, unchanged base first): chr19-13286654-G-GGGATTGGAT. GRCh37 (hg19) VCF-style: chr19-13397468-G-GGGATTGGAT.
Other names: c.3405_3413dup, p.Ser1136_Pro1138dup (NM_000068.4, NM_023035.3); c.3396_3404dup, p.Ser1133_Pro1135dup (NM_001127221.2, NM_001174080.2); c.3396_3404dup (NM_000068.2).
Identifiers: ClinVar variation 1510750 (VCV001510750.9), dbSNP rs770648017, ClinGen allele CA9240336.
Genomic context (GRCh38, chr19:13,286,654, plus strand): 5'-GGTCTGGGTGCCGCTGGGGTTGGTGACGATAAGGCTATTCTCGGGGGTCTTGGGGGGGCC[G>GGGATTGGAT]GGATTGGATGGGTTCCCCGGGTTGTTGGGCGTCCGGCGGCTGGCGGCGTTCTGGGGGTTG-3'

ClinVar aggregate classification (germline): Uncertain significance. Review status: criteria provided, multiple submitters, no conflicts (2 of 4 stars). 2 submissions from 2 submitters: Uncertain significance (2). Last evaluated 2025-07-11.

Conditions:
Episodic ataxia type 2 (EA2). Also called: ATAXIA, EPISODIC, WITH NYSTAGMUS; ATAXIA, FAMILIAL PAROXYSMAL; CEREBELLAR ATAXIA, PAROXYSMAL, ACETAZOLAMIDE-RESPONSIVE; CEREBELLOPATHY, HEREDITARY PAROXYSMAL; ACETAZOLAMIDE-RESPONSIVE HEREDITARY PAROXYSMAL CEREBELLAR ATAXIA; EPISODIC ATAXIA, NYSTAGMUS-ASSOCIATED. Identifiers: Orphanet 97, MedGen C1720416, MONDO:0007163, OMIM 108500.
Developmental and epileptic encephalopathy, 42 (DEE42A). Also called: DEVELOPMENTAL AND EPILEPTIC ENCEPHALOPATHY 42A; EPILEPTIC ENCEPHALOPATHY, EARLY INFANTILE, 42A; Epileptic encephalopathy, early infantile, 42. Identifiers: MedGen C4310716, MONDO:0014917, OMIM 617106.

Submissions (2):

Athena Diagnostics
Classification: Uncertain significance. Last evaluated: 2025-07-11. Review status: criteria provided, single submitter. Criteria: Athena Diagnostics Criteria. Collection method: clinical testing. Allele origin: unknown.
Comment: Available data are insufficient to determine the clinical significance of the variant at this time. The frequency of this variant in the general population is uninformative in assessment of its pathogenicity. This variant has been identified in at least one individual with clinical features associated with this gene. Assessment of experimental evidence suggests this variant results in abnormal protein function. (PMID: 16186543)

Labcorp Genetics (formerly Invitae), Labcorp
Classification: Uncertain significance for Developmental and epileptic encephalopathy, 42; Episodic ataxia type 2. Last evaluated: 2025-04-14. Review status: criteria provided, single submitter. Criteria: Invitae Variant Classification Sherloc (09022015). Collection method: clinical testing. Allele origin: germline.
Comment: This variant, c.3396_3404dup, results in the insertion of 3 amino acid(s) of the CACNA1A protein (p.Ser1133_Pro1135dup), but otherwise preserves the integrity of the reading frame. This variant is present in population databases (rs770648017, gnomAD 0.005%). This variant has been observed in individual(s) with clinical features of episodic ataxia type 2 (PMID: 16186543). ClinVar contains an entry for this variant (Variation ID: 1510750). Algorithms developed to predict the effect of variants on gene product structure and function are not available or were not evaluated for this variant. Experimental studies have shown that this variant affects CACNA1A function (PMID: 16186543). In summary, the available evidence is currently insufficient to determine the role of this variant in disease. Therefore, it has been classified as a Variant of Uncertain Significance.

Literature cited by the submitters: PubMed 16186543 (cited by Athena Diagnostics and Labcorp Genetics (formerly Invitae), Labcorp).